The following is an entry in ClinVar:

ClinVar aggregate classification (germline): Conflicting classifications of pathogenicity. Review status: criteria provided, conflicting classifications (1 of 4 stars). 2 submissions from 2 submitters: Uncertain significance (1); Likely benign (1). Last evaluated 2025-08-12.

Conditions:
FG syndrome (FGS). Identifiers: MedGen C0220769, MONDO:0002010.

Submissions (2):

Labcorp Genetics (formerly Invitae), Labcorp
Classification: Uncertain significance for FG syndrome. Last evaluated: 2025-08-12. Review status: criteria provided, single submitter. Criteria: Invitae Variant Classification Sherloc (09022015). Collection method: clinical testing. Allele origin: germline.
Comment: This variant, c.6165_6167dup, results in the insertion of 1 amino acid(s) of the MED12 protein (p.Gln2076dup), but otherwise preserves the integrity of the reading frame. The frequency data for this variant in the population databases is considered unreliable, as metrics indicate poor data quality at this position in the gnomAD database. This variant has not been reported in the literature in individuals affected with MED12-related conditions. Experimental studies and prediction algorithms are not available or were not evaluated, and the functional significance of this variant is currently unknown. In summary, the available evidence is currently insufficient to determine the role of this variant in disease. Therefore, it has been classified as a Variant of Uncertain Significance.

CeGaT Center for Human Genetics Tuebingen
Classification: Likely benign. Last evaluated: 2024-10-01. Review status: criteria provided, single submitter. Criteria: CeGaT Center For Human Genetics Tuebingen Variant Classification Criteria Version 2. Collection method: clinical testing. Allele origin: germline. Affected: yes. Observed: 1 variant allele.
Comment: MED12: BS2

NM_005120.3(MED12):c.6150GCA[7] (p.Gln2076dup)

Gene: MED12 (mediator complex subunit 12; plus strand). Cytogenetic location: Xq13.1.
Variant type: Microsatellite.
Coding change: c.6150GCA[7] on transcript NM_005120.3 (MANE Select); seven copies in a row of the 3-base unit GCA starting at c.6150; the reference has six copies in a row; one copy, 3 bases duplicated.
Protein change: p.Gln2076dup; duplicates glutamine 2076.
Molecular consequence: inframe insertion.
Genome position (GRCh38, 1-based): chrX:71,140,755-71,140,757, GCA duplicated; duplicating any 3 consecutive bases within chrX:71,140,739-71,140,757 gives the same sequence; the position shown is the placement nearest the transcript's 3' end. VCF-style (leftmost placement, unchanged base first): chrX-71140738-G-GAGC. GRCh37 (hg19) VCF-style: chrX-70360588-G-GAGC.
Identifiers: ClinVar variation 664890 (VCV000664890.23), dbSNP rs769857818, ClinGen allele CA10444879.